The following is an entry in ClinVar:

ClinVar aggregate classification (germline): Conflicting classifications of pathogenicity. Review status: criteria provided, conflicting classifications (1 of 4 stars). 5 submissions from 5 submitters: Uncertain significance (4); Likely benign (1). Last evaluated 2025-04-23.

Conditions:
SPTBN2-related disorder. Also called: SPTBN2-related condition.
Inborn genetic diseases. Identifiers: MedGen C0950123, MeSH D030342.
Autosomal recessive spinocerebellar ataxia 14. Also called: CEREBELLAR ATAXIA, AUTOSOMAL RECESSIVE, SPECTRIN-ASSOCIATED, 1. Identifiers: Orphanet 352403, MedGen C4706415, MONDO:0014159, OMIM 615386.
Spinocerebellar ataxia type 5 (SCA5). Identifiers: Orphanet 98766, MedGen C0752123, MONDO:0010848, OMIM 600224.

Allele frequency attached by ClinVar (database versions not stated): ExAC 0.00004; gnomAD exomes 0.00006 and 0.00007; gnomAD 0.00007; TOPMed 0.00008.
gnomAD v4.1: 107 of 1,600,740 alleles (0.0067%); highest among the groups gnomAD compares: Admixed American, 0.012%; no homozygotes.

Submissions (5):

PreventionGenetics, part of Exact Sciences
Classification: Uncertain significance for SPTBN2-related condition. Last evaluated: 2025-04-23. Review status: criteria provided, single submitter. Criteria: ACMG Guidelines, 2015. Collection method: clinical testing. Allele origin: germline.
Comment: The SPTBN2 c.3194G>A variant is predicted to result in the amino acid substitution p.Arg1065Gln. To our knowledge, this variant has not been reported in the literature. This variant is reported in 0.017% of alleles in individuals of Latino descent in gnomAD. At this time, the clinical significance of this variant is uncertain due to the absence of conclusive functional and genetic evidence.

Labcorp Genetics (formerly Invitae), Labcorp
Classification: Uncertain significance. Last evaluated: 2024-03-06. Review status: criteria provided, single submitter. Criteria: Invitae Variant Classification Sherloc (09022015). Collection method: clinical testing. Allele origin: germline.
Comment: This sequence change replaces arginine, which is basic and polar, with glutamine, which is neutral and polar, at codon 1065 of the SPTBN2 protein (p.Arg1065Gln). This variant is present in population databases (rs753324919, gnomAD 0.02%). This variant has not been reported in the literature in individuals affected with SPTBN2-related conditions. ClinVar contains an entry for this variant (Variation ID: 305567). Advanced modeling of protein sequence and biophysical properties (such as structural, functional, and spatial information, amino acid conservation, physicochemical variation, residue mobility, and thermodynamic stability) performed at Invitae indicates that this missense variant is not expected to disrupt SPTBN2 protein function with a negative predictive value of 80%. In summary, the available evidence is currently insufficient to determine the role of this variant in disease. Therefore, it has been classified as a Variant of Uncertain Significance.

Ambry Genetics
Classification: Uncertain significance for Inborn genetic diseases. Last evaluated: 2023-02-06. Review status: criteria provided, single submitter. Criteria: Ambry Variant Classification Scheme 2023. Collection method: clinical testing. Allele origin: germline.

Department of Pathology and Laboratory Medicine, Sinai Health System
Classification: Uncertain significance for Spinocerebellar ataxia type 5; Autosomal recessive spinocerebellar ataxia 14. Last evaluated: 2021-11-22. Review status: criteria provided, single submitter. Criteria: ACMG Guidelines, 2015. Collection method: research. Allele origin: germline.

Athena Diagnostics
Classification: Likely benign. Last evaluated: 2019-04-12. Review status: criteria provided, single submitter. Criteria: Athena Diagnostics Criteria. Collection method: clinical testing. Allele origin: germline.

NM_006946.4(SPTBN2):c.3194G>A (p.Arg1065Gln)

Gene: SPTBN2 (spectrin beta, non-erythrocytic 2; minus strand). Cytogenetic location: 11q13.2.
Variant type: single nucleotide variant.
Coding change: c.3194G>A on transcript NM_006946.4 (MANE Select); coding-DNA position 3194, G replaced by A.
Protein change: p.Arg1065Gln; replaces arginine 1065 with glutamine.
Molecular consequence: missense variant.
Genome position (GRCh38, 1-based): chr11:66,700,905, C>T on the plus strand (G>A on the coding strand, the complement: SPTBN2 is on the minus strand). VCF-style: chr11-66700905-C-T. GRCh37 (hg19) VCF-style: chr11-66468376-C-T.
Other names: short protein forms R1065Q.
Identifiers: ClinVar variation 305567 (VCV000305567.13), dbSNP rs753324919, ClinGen allele CA6128911.